The following is an entry in ClinVar:

ClinVar aggregate classification (germline): Conflicting classifications of pathogenicity. Review status: criteria provided, conflicting classifications (1 of 4 stars). 3 submissions from 3 submitters: Uncertain significance (2); Likely benign (1). Last evaluated 2024-04-24.

Conditions:
Hereditary cancer-predisposing syndrome. Also called: Tumor predisposition; Hereditary Cancer Syndrome; Neoplastic Syndromes, Hereditary; Hereditary neoplastic syndrome. Identifiers: Orphanet 140162, MedGen C0027672, MeSH D009386, MONDO:0015356.
Familial cancer of breast. Also called: hereditary breast carcinoma; BREAST CANCER, FAMILIAL; Hereditary breast cancer. Identifiers: Orphanet 227535, MedGen C0346153, MONDO:0016419, OMIM 114480. Disease mechanism: loss of function.
Fanconi anemia complementation group J. Also called: BRIP1-Related Fanconi Anemia. Identifiers: Orphanet 84, MedGen C1836860, MONDO:0012187, OMIM 609054.

Allele frequency attached by ClinVar (database versions not stated): gnomAD exomes below 0.00001.
gnomAD v4.1: 2 of 1,614,176 alleles (0.00012%); highest among the groups gnomAD compares: Non-Finnish European, 0.00017%; no homozygotes.

Submissions (3):

Ambry Genetics
Classification: Likely benign for Hereditary cancer-predisposing syndrome. Last evaluated: 2024-04-24. Review status: criteria provided, single submitter. Criteria: Ambry Variant Classification Scheme 2023. Collection method: clinical testing. Allele origin: germline.

Labcorp Genetics (formerly Invitae), Labcorp
Classification: Uncertain significance for Familial cancer of breast; Fanconi anemia complementation group J. Last evaluated: 2024-04-10. Review status: criteria provided, single submitter. Criteria: Invitae Variant Classification Sherloc (09022015). Collection method: clinical testing. Allele origin: germline.
Comment: This sequence change replaces asparagine, which is neutral and polar, with aspartic acid, which is acidic and polar, at codon 109 of the BRIP1 protein (p.Asn109Asp). This variant is not present in population databases (gnomAD no frequency). This variant has not been reported in the literature in individuals affected with BRIP1-related conditions. ClinVar contains an entry for this variant (Variation ID: 1014956). Advanced modeling of protein sequence and biophysical properties (such as structural, functional, and spatial information, amino acid conservation, physicochemical variation, residue mobility, and thermodynamic stability) performed at Invitae indicates that this missense variant is not expected to disrupt BRIP1 protein function with a negative predictive value of 80%. In summary, the available evidence is currently insufficient to determine the role of this variant in disease. Therefore, it has been classified as a Variant of Uncertain Significance.

Quest Diagnostics Nichols Institute San Juan Capistrano
Classification: Uncertain significance. Last evaluated: 2022-11-09. Review status: criteria provided, single submitter. Criteria: Quest Diagnostics criteria. Collection method: clinical testing. Allele origin: unknown.
Comment: The variant has not been reported in the published literature. It also has not been reported in large, multi-ethnic general populations. Analysis of this variant using bioinformatics tools for the prediction of the effect of amino acid changes on protein structure and function yielded predictions that this variant is benign. Based on the available information, we are unable to determine the clinical significance of this variant.

NM_032043.3(BRIP1):c.325A>G (p.Asn109Asp)

Gene: BRIP1 (BRCA1 interacting DNA helicase 1; minus strand). Cytogenetic location: 17q23.2.
Variant type: single nucleotide variant.
Coding change: c.325A>G on transcript NM_032043.3 (MANE Select); coding-DNA position 325, A replaced by G.
Protein change: p.Asn109Asp; replaces asparagine 109 with aspartic acid.
Molecular consequence: missense variant.
Genome position (GRCh38, 1-based): chr17:61,857,112, T>C on the plus strand (A>G on the coding strand, the complement: BRIP1 is on the minus strand). VCF-style: chr17-61857112-T-C. GRCh37 (hg19) VCF-style: chr17-59934473-T-C.
Other names: c.325A>G (NM_032043.2); short protein forms N109D.
Identifiers: ClinVar variation 1014956 (VCV001014956.10), dbSNP rs2078907245, ClinGen allele CA400485367.
Genomic context (GRCh38, chr17:61,857,112, plus strand): 5'-AATTACCTTGACAAGTTGATGAAGTGCCATTTCTTTCAGAAGGTGGTGTGCTTGGATAGT[T>C]GAAATGACGTGAAGTTCCTTGGTTCATGTCATTGTTTGTAAAATCCTTTGAATGGCATGC-3'
Protein context (NP_114432.2, residues 99-119): DMNQGTSRHF[Asn109Asp]YPSTPPSERN